The following is an entry in ClinVar:

ClinVar aggregate classification (germline): Uncertain significance (1 of 4 stars; one submission).

Conditions:
Hereditary cancer-predisposing syndrome. Also called: Neoplastic Syndromes, Hereditary; Hereditary neoplastic syndrome; Tumor predisposition; Hereditary Cancer Syndrome. Identifiers: Orphanet 140162, MedGen C0027672, MeSH D009386, MONDO:0015356.

Submission:

Labcorp Genetics (formerly Invitae), Labcorp
Classification: Uncertain significance for Hereditary cancer-predisposing syndrome. Last evaluated: 2022-12-22. Review status: criteria provided, single submitter. Criteria: Invitae Variant Classification Sherloc (09022015). Collection method: clinical testing. Allele origin: germline.
Comment: This sequence change replaces methionine, which is neutral and non-polar, with arginine, which is basic and polar, at codon 958 of the RAD50 protein (p.Met958Arg). This variant is not present in population databases (gnomAD no frequency). This variant has not been reported in the literature in individuals affected with RAD50-related conditions. Advanced modeling of protein sequence and biophysical properties (such as structural, functional, and spatial information, amino acid conservation, physicochemical variation, residue mobility, and thermodynamic stability) performed at Invitae indicates that this missense variant is not expected to disrupt RAD50 protein function. In summary, the available evidence is currently insufficient to determine the role of this variant in disease. Therefore, it has been classified as a Variant of Uncertain Significance.

NM_005732.4(RAD50):c.2873T>G (p.Met958Arg)

Gene: RAD50 (RAD50 double strand break repair protein; plus strand). Cytogenetic location: 5q31.1.
Variant type: single nucleotide variant.
Coding change: c.2873T>G on transcript NM_005732.4 (MANE Select); coding-DNA position 2873, T replaced by G.
Protein change: p.Met958Arg; replaces methionine 958 with arginine.
Molecular consequence: missense variant.
Genome position (GRCh38, 1-based): chr5:132,609,160, T>G. VCF-style: chr5-132609160-T-G. GRCh37 (hg19) VCF-style: chr5-131944852-T-G.
Other names: short protein forms M958R.
Identifiers: ClinVar variation 2823360 (VCV002823360.3), dbSNP rs2479371065, ClinGen allele CA360959671.